The following is an entry in ClinVar:

NM_030962.4(SBF2):c.624T>G (p.Ile208Met)

Gene: SBF2 (SET binding factor 2; minus strand). Cytogenetic location: 11p15.4.
Variant type: single nucleotide variant.
Coding change: c.624T>G on transcript NM_030962.4 (MANE Select); coding-DNA position 624, T replaced by G.
Protein change: p.Ile208Met; replaces isoleucine 208 with methionine.
Molecular consequence: missense variant.
Genome position (GRCh38, 1-based): chr11:10,002,685, A>C on the plus strand (T>G on the coding strand, the complement: SBF2 is on the minus strand). VCF-style: chr11-10002685-A-C. GRCh37 (hg19) VCF-style: chr11-10024232-A-C.
Other names: c.624T>G, p.Ile208Met (NM_001386339.1, NM_001386342.1); c.660T>G, p.Ile220Met (NM_001424318.1, NM_001425069.1, NM_001425070.1); short protein forms I208M, I220M.
Identifiers: ClinVar variation 3895827 (VCV003895827.1).

ClinVar aggregate classification (germline): Uncertain significance (1 of 4 stars; one submission).

gnomAD v4.1: 1 of 1,613,238 alleles (0.000062%); highest among the groups gnomAD compares: African/African-American, 0.0013%; no homozygotes.

Submission:

Women's Health and Genetics/Laboratory Corporation of America, LabCorp
Classification: Uncertain significance. Last evaluated: 2025-03-05. Review status: criteria provided, single submitter. Criteria: LabCorp Variant Classification Summary - May 2015. Collection method: clinical testing. Allele origin: germline.
Comment: Variant summary: SBF2 c.624T>G (p.Ile208Met) results in a conservative amino acid change in the encoded protein sequence. Three of five in-silico tools predict a damaging effect of the variant on protein function. The variant was absent in 251314 control chromosomes. The available data on variant occurrences in the general population are insufficient to allow any conclusion about variant significance. To our knowledge, no occurrence of c.624T>G in individuals affected with Charcot-Marie-Tooth disease type 4B2 and no experimental evidence demonstrating its impact on protein function have been reported. No submitters have cited clinical-significance assessments for this variant to ClinVar. Based on the evidence outlined above, the variant was classified as uncertain significance.